The following is an entry in ClinVar:

NM_013432.5(TONSL):c.2608A>G (p.Ser870Gly)

Genes: TONSL (tonsoku like, DNA repair protein; minus strand), TONSL-AS1 (TONSL antisense RNA 1; plus strand). Cytogenetic location: 8q24.3.
Variant type: single nucleotide variant.
Coding change: c.2608A>G on transcript NM_013432.5 (MANE Select); coding-DNA position 2608, A replaced by G.
Protein change: p.Ser870Gly; replaces serine 870 with glycine.
Molecular consequence: missense variant.
Genome position (GRCh38, 1-based): chr8:144,435,825, T>C on the plus strand (A>G on the coding strand, the complement: TONSL is on the minus strand). VCF-style: chr8-144435825-T-C. GRCh37 (hg19) VCF-style: chr8-145661208-T-C.
Other names: short protein forms S870G.
Identifiers: ClinVar variation 2117891 (VCV002117891.4), dbSNP rs1159394279, ClinGen allele CA372653967.

ClinVar aggregate classification (germline): Uncertain significance (1 of 4 stars; one submission).

Allele frequency attached by ClinVar (database versions not stated): gnomAD exomes below 0.00001; gnomAD 0.00001; TOPMed 0.00003.
gnomAD v4.1: 4 of 1,612,334 alleles (0.00025%); highest among the groups gnomAD compares: African/African-American, 0.004%; no homozygotes.

Submission:

Labcorp Genetics (formerly Invitae), Labcorp
Classification: Uncertain significance. Last evaluated: 2022-03-26. Review status: criteria provided, single submitter. Criteria: Invitae Variant Classification Sherloc (09022015). Collection method: clinical testing. Allele origin: germline.
Comment: In summary, the available evidence is currently insufficient to determine the role of this variant in disease. Therefore, it has been classified as a Variant of Uncertain Significance. Algorithms developed to predict the effect of missense changes on protein structure and function output the following: SIFT: "Tolerated"; PolyPhen-2: "Benign"; Align-GVGD: "Class C0". The glycine amino acid residue is found in multiple mammalian species, which suggests that this missense change does not adversely affect protein function. This variant has not been reported in the literature in individuals affected with TONSL-related conditions. This variant is not present in population databases (gnomAD no frequency). This sequence change replaces serine, which is neutral and polar, with glycine, which is neutral and non-polar, at codon 870 of the TONSL protein (p.Ser870Gly).